The following is an entry in ClinVar:

NM_001083962.2(TCF4):c.208-2A>T

Genes: TCF4 (transcription factor 4; minus strand), TCF4-AS1 (TCF4 antisense RNA 1; plus strand). Cytogenetic location: 18q21.2.
Variant type: single nucleotide variant.
Coding change: c.208-2A>T on transcript NM_001083962.2 (MANE Select); the canonical splice acceptor site of the intron before coding-DNA position 208, A replaced by T.
Molecular consequence: splice acceptor variant.
Genome position (GRCh38, 1-based): chr18:55,461,117, T>A on the plus strand (A>T on the coding strand, the complement: TCF4 is on the minus strand). VCF-style: chr18-55461117-T-A. GRCh37 (hg19) VCF-style: chr18-53128348-T-A.
Other names: c.514-2A>T (NM_001243226.3); c.136-2A>T (NM_001369584.1, NM_001369576.1, NM_001369577.1 and 15 more transcripts); c.208-2A>T (NM_001369571.1, NM_001369567.1, NM_001243228.2 and 8 more transcripts); c.202-2A>T (NM_001243230.2); c.82-2A>T (NM_001243231.2, NM_001348211.2).
Identifiers: ClinVar variation 4531697 (VCV004531697.1).
Genomic context (GRCh38, chr18:55,461,117, plus strand): 5'-TCATGTGACCCAAGGTCCCTGCTGGTCATGTGGTCATAGGGAGTCCCATCTCCATAGTTC[T>A]GTAAATAAAATGACAGTGTAAGTTATTATTTTATATTAATAAACAGCACATAAACAAACA-3'

ClinVar aggregate classification (germline): Likely pathogenic (1 of 4 stars; one submission).

Conditions:
Pitt-Hopkins syndrome (PTHS). Also called: ENCEPHALOPATHY, SEVERE EPILEPTIC, WITH AUTONOMIC DYSFUNCTION; MENTAL RETARDATION, SYNDROMAL, WITH INTERMITTENT HYPERVENTILATION. Identifiers: Orphanet 2896, MedGen C1970431, MONDO:0012589, OMIM 610954.

Submission:

Victorian Clinical Genetics Services, Murdoch Childrens Research Institute
Classification: Likely pathogenic for Pitt-Hopkins syndrome. Last evaluated: 2025-07-14. Review status: criteria provided, single submitter. Criteria: ACMG Guidelines, 2015. Collection method: clinical testing. Allele origin: germline. Affected: yes.
Comment: This variant is classified as Likely pathogenic. Evidence in support of pathogenic classification: Canonical splice site variant without proven consequence on splicing (no functional evidence available); Variant is absent from gnomAD (v2, v3 and v4); Abnormal splicing is predicted by in silico tool and affected nucleotide is highly conserved; Additional information: This variant is heterozygous; This gene is associated with autosomal dominant disease; This variant has no previous evidence of pathogenicity; No published evidence of segregation with disease has been identified for this variant; No published functional evidence has been identified for this variant; No comparable splice variants have previous evidence for pathogenicity; Loss of function is a known mechanism of disease in this gene and is associated with Pitt-Hopkins syndrome (MIM#610954), and dominant negative is a suggested mechanism for some missense variants (PMID: 22460224, 34134113). Fuchs endothelial corneal dystrophy (MIM#613267) is only caused by expanded CTG repeats (OMIM), where the mechanism is unclear; The corneal dystrophy condition associated with this gene has incomplete penetrance (OMIM).

Literature cited by the submitters: PubMed 22460224; PubMed 34134113.